The following is an entry in ClinVar:

ClinVar aggregate classification (germline): Uncertain significance (1 of 4 stars; one submission).

gnomAD v4.1: 1 of 1,614,106 alleles (0.000062%); highest among the groups gnomAD compares: South Asian, 0.0011%; no homozygotes.

Submission:

GeneDx
Classification: Uncertain significance. Last evaluated: 2026-03-02. Review status: criteria provided, single submitter. Criteria: GeneDx Variant Classification Process June 2021. Collection method: clinical testing. Allele origin: germline.
Comment: Not observed at significant frequency in large population cohorts (gnomAD); In silico analysis supports that this missense variant has a deleterious effect on protein structure/function; Has not been previously published as pathogenic or benign to our knowledge; Not located in the triple helical region, where the majority of pathogenic missense variants occur (HGMD)

NM_000089.4(COL1A2):c.3659C>T (p.Ser1220Phe)

Gene: COL1A2 (collagen type I alpha 2 chain; plus strand). Cytogenetic location: 7q21.3.
Variant type: single nucleotide variant.
Coding change: c.3659C>T on transcript NM_000089.4 (MANE Select); coding-DNA position 3659, C replaced by T.
Protein change: p.Ser1220Phe; replaces serine 1220 with phenylalanine.
Molecular consequence: missense variant.
Genome position (GRCh38, 1-based): chr7:94,428,425, C>T. VCF-style: chr7-94428425-C-T. GRCh37 (hg19) VCF-style: chr7-94057737-C-T.
Other names: short protein forms S1220F.
Identifiers: ClinVar variation 5009687 (VCV005009687.1).